The following is an entry in ClinVar:

NM_001354483.2(CSGALNACT1):c.1324G>C (p.Asp442His)

Gene: CSGALNACT1 (chondroitin sulfate N-acetylgalactosaminyltransferase 1; minus strand). Cytogenetic location: 8p21.3.
Variant type: single nucleotide variant.
Coding change: c.1324G>C on transcript NM_001354483.2 (MANE Select); coding-DNA position 1324, G replaced by C.
Protein change: p.Asp442His; replaces aspartic acid 442 with histidine.
Molecular consequence: missense variant. On other transcripts: non-coding transcript variant (7).
Genome position (GRCh38, 1-based): chr8:19,406,055, C>G on the plus strand (G>C on the coding strand, the complement: CSGALNACT1 is on the minus strand). VCF-style: chr8-19406055-C-G. GRCh37 (hg19) VCF-style: chr8-19263566-C-G.
Other names: c.1324G>C, p.Asp442His (NM_001130518.2, NM_001354475.2, NM_001354476.2 and 18 more transcripts); c.1324G>C (NM_001130518.1); short protein forms D442H.
Identifiers: ClinVar variation 1421944 (VCV001421944.5), dbSNP rs747767054, ClinGen allele CA4653795.

ClinVar aggregate classification (germline): Uncertain significance. Review status: criteria provided, multiple submitters, no conflicts (2 of 4 stars). 2 submissions from 2 submitters: Uncertain significance (2). Last evaluated 2025-06-06.

Conditions:
Inborn genetic diseases. Identifiers: MedGen C0950123, MeSH D030342.

Allele frequency attached by ClinVar (database versions not stated): gnomAD exomes below 0.00001; TOPMed below 0.00001; ExAC 0.00001; gnomAD 0.00001.
gnomAD v4.1: 6 of 1,614,026 alleles (0.00037%); highest among the groups gnomAD compares: African/African-American, 0.004%; no homozygotes.

Submissions (2):

Ambry Genetics
Classification: Uncertain significance for Inborn genetic diseases. Last evaluated: 2025-06-06. Review status: criteria provided, single submitter. Criteria: Ambry Variant Classification Scheme 2023. Collection method: clinical testing. Allele origin: germline.

Labcorp Genetics (formerly Invitae), Labcorp
Classification: Uncertain significance. Last evaluated: 2022-07-05. Review status: criteria provided, single submitter. Criteria: Invitae Variant Classification Sherloc (09022015). Collection method: clinical testing. Allele origin: germline.
Comment: In summary, the available evidence is currently insufficient to determine the role of this variant in disease. Therefore, it has been classified as a Variant of Uncertain Significance. Algorithms developed to predict the effect of missense changes on protein structure and function are either unavailable or do not agree on the potential impact of this missense change (SIFT: "Deleterious"; PolyPhen-2: "Probably Damaging"; Align-GVGD: "Class C0"). ClinVar contains an entry for this variant (Variation ID: 1421944). This variant has not been reported in the literature in individuals affected with CSGALNACT1-related conditions. This variant is present in population databases (rs747767054, gnomAD 0.0009%). This sequence change replaces aspartic acid, which is acidic and polar, with histidine, which is basic and polar, at codon 442 of the CSGALNACT1 protein (p.Asp442His).